The following is an entry in ClinVar:

NM_001378452.1(ITPR1):c.5802C>A (p.Ala1934=)

Gene: ITPR1 (inositol 1,4,5-trisphosphate receptor type 1; plus strand). Cytogenetic location: 3p26.1.
Variant type: single nucleotide variant.
Coding change: c.5802C>A on transcript NM_001378452.1 (MANE Select); coding-DNA position 5802, C replaced by A.
Protein change: p.Ala1934=; no amino-acid change (alanine 1934 retained).
Molecular consequence: synonymous variant.
Genome position (GRCh38, 1-based): chr3:4,768,587, C>A. VCF-style: chr3-4768587-C-A. GRCh37 (hg19) VCF-style: chr3-4810271-C-A.
Other names: c.5658C>A, p.Ala1886= (NM_001099952.4); c.5757C>A, p.Ala1919= (NM_001168272.2); c.5613C>A, p.Ala1871= (NM_002222.7).
Identifiers: ClinVar variation 3348676 (VCV003348676.4).
Genomic context (GRCh38, chr3:4,768,587, plus strand): 5'-ACAGATAACAGAAGAGGTCCGGGATCAGCTCCTGGAGGCCTCCGCTGCCACCAGGAAAGC[C>A]TTCACCACTTTCAGGAGGGAGGCTGATCCCGACGACCACTACCAGCCTGGAGAGGGCACC-3'
Protein context (NP_001365381.1, residues 1924-1944): LLEASAATRK[Ala1934=]FTTFRREADP

ClinVar aggregate classification (germline): Likely benign. Review status: criteria provided, multiple submitters, no conflicts (2 of 4 stars). 3 submissions from 3 submitters: Likely benign (2). 1 of the submissions does not count toward it. Last evaluated 2024-10-28.

Conditions:
ITPR1-related disorder. Also called: ITPR1-related condition.

gnomAD v4.1: 5 of 1,613,938 alleles (0.00031%); highest among the groups gnomAD compares: Admixed American, 0.0067%; no homozygotes.

Submissions (3):

Labcorp Genetics (formerly Invitae), Labcorp
Classification: Likely benign. Last evaluated: 2024-10-28. Review status: criteria provided, single submitter. Criteria: Invitae Variant Classification Sherloc (09022015). Collection method: clinical testing. Allele origin: germline.

Blueprint Genetics
Classification: Likely benign. Last evaluated: 2023-04-27. Review status: criteria provided, single submitter. Criteria: ACMG Guidelines, 2015. Collection method: clinical testing. Allele origin: germline.

PreventionGenetics, part of Exact Sciences
Classification: Likely benign for ITPR1-related condition. Last evaluated: 2024-04-23. Review status: no assertion criteria provided. Collection method: clinical testing. Allele origin: germline. Not counted in ClinVar's aggregate classification.
Comment: This variant is classified as likely benign based on ACMG/AMP sequence variant interpretation guidelines (Richards et al. 2015 PMID: 25741868, with internal and published modifications).